The following continues an entry in ClinVar:

NM_000303.3(PMM2):c.422G>A (p.Arg141His)

Gene: PMM2. ClinVar aggregate classification (germline): Pathogenic. Pathogenic (54).

Submissions 39 to 55 of 69:

Myriad Genetics, Inc.
Classification: Pathogenic for PMM2-congenital disorder of glycosylation. Last evaluated: 2019-12-19. Review status: criteria provided, single submitter. Criteria: Myriad Women's Health Autosomal Recessive and X-Linked Classification Criteria (2019). Collection method: clinical testing. Allele origin: unknown.
Comment: NM_000303.2(PMM2):c.422G>A(R141H) is classified as pathogenic in the context of congenital disorder of glycosylation type Ia. Please note that in the homozygous state, R141H may be associated with fetal demise. Sources cited for classification include the following: PMID 11058895, 9497260, 10854097, 21541725, 9781039, 26488408, 15844218, 10922383, 26014514, and 10386614. Classification of NM_000303.2(PMM2):c.422G>A(R141H) is based on the following criteria: This is a well-established pathogenic variant in the literature that has been observed more frequently in patients with clinical diagnoses than in healthy populations. Please note: this variant was assessed in the context of healthy population screening.

Knight Diagnostic Laboratories, Oregon Health and Sciences University
Classification: Pathogenic for Congenital disorder of glycosylation, type 1a. Last evaluated: 2019-11-18. Review status: criteria provided, single submitter. Criteria: ACMG Guidelines, 2015. Collection method: clinical testing. Allele origin: germline. Observed: 1 variant allele.

Molecular Diagnostics Lab, Nemours Children's Health, Delaware
Classification: Pathogenic for Focal segmental glomerulosclerosis. Last evaluated: 2019-10-22. Review status: criteria provided, single submitter. Criteria: ACMG Guidelines, 2015. Collection method: clinical testing. Allele origin: unknown. Inheritance: Autosomal recessive inheritance. Affected: yes. Observed: 1 heterozygote.
Comment: This missense variant (c.422G>A, p.Arg141His) has been observed at very low frequency in population databases (gnomAD). It has been reported in the literature (PMID 24424129, 9140401, 30061496). Variant prediction programs suggest a deleterious effect, and functional studies support this (PMID 21541725).

Rady Children's Institute for Genomic Medicine, Rady Children's Hospital San Diego
Classification: Pathogenic for CONGENITAL DISORDER OF GLYCOSYLATION, TYPE Ia. Last evaluated: 2018-08-13. Review status: criteria provided, single submitter. Criteria: ACMG Guidelines, 2015. Collection method: clinical testing. Allele origin: germline. Affected: yes. Observed: 1 variant allele.
Comment: This variant is found in the compound heterozygous state in approximately 40% of individuals with Congenital disorder of glycosylation Type 1A of European ancestry (PMID: 20301289). It is present in the heterozygous state in the gnomAD population database at a frequency of 0.39% (891/224376). The c.422G>A (p.Arg141His) variant affects a highly conserved amino acid and is predicted by multiple in silico tools to have a deleterious effect on protein function. Functional characterization in multiple studies indicates that the p.Arg141His variant negatively impacts protein function including stability and enzymatic activity (PMID: 21541725, 26488408, 26014514). Based on the available evidence, the c.422G>A (p.Arg141His) variant is classified as Pathogenic.

Illumina Laboratory Services, Illumina
Classification: Pathogenic for PMM2-congenital disorder of glycosylation. Last evaluated: 2018-04-24. Review status: criteria provided, single submitter. Criteria: ICSL Variant Classification Criteria 09 May 2019. Collection method: clinical testing. Allele origin: germline.
Comment: The PMM2 c.422G>A (p.Arg141His) missense variant is well-documented as the most common pathogenic variant found in patients with PMM2-associated congenital disorders of glycosylation (also known as CDG-1a) (Sparks et al. 2015). The p.Arg141His variant was first described by Matthijs et al. (1997) in a group of 33 unrelated individuals with confirmed phosphomannomutase deficiency. In this study, the p.Arg141His variant was identified in a compound heterozygous state in ten affected individuals. A review by Matthijs et al. (2000) looking at over 249 patients from six different studies and 23 different countries concluded that the p.Arg141His variant accounts for 37 percent of all disease-associated alleles. This variant is typically observed in a compound heterozygous state in patients with severe phenotypes and has never been reported in a homozygous state (Sparks et al. 2015). When expressed in vitro, the residual activity of the p.Arg141His recombinant protein is almost zero and thus supports the inference that homozygosity for this mutation is lethal early in development. This variant also shows a decreased binding affinity for the normal substrate and results in a significantly less stable protein compared to wild type (Pirard et al. 1999). The p.Arg141His variant is frequent in most populations and is reported at a frequency of 0.02756 in the European (non-Finnish) population of the Exome Aggregation Consortium. Based on the evidence the p.Arg141His variant is classified as pathogenic for congenital disorders of glycosylation. This variant was observed by ICSL as part of a predisposition screen in an ostensibly healthy population.

Clinical Genetics DNA and cytogenetics Diagnostics Lab, Erasmus MC, Erasmus Medical Center
Classification: Pathogenic for PMM2-congenital disorder of glycosylation. Last evaluated: 2017-09-14. Review status: criteria provided, single submitter. Criteria: ACGS Guidelines, 2013. Collection method: clinical testing. Allele origin: germline. Affected: yes. Study: VKGL Data-share Consensus.

Centre for Arab Genomic Studies, Sheikh Hamdan Award for Medical Sciences
Classification: Pathogenic for PMM2-congenital disorder of glycosylation. Last evaluated: 2017-07-15. Review status: criteria provided, single submitter. Criteria: Bastaki F et al. (Ann Hum Genet 2018). Collection method: clinical testing. Allele origin: inherited. Inheritance: Autosomal recessive inheritance. Affected: yes. Observed: 1 variant allele, 1 compound heterozygote.

Genome Diagnostics Laboratory, Amsterdam University Medical Center
Classification: Pathogenic for PMM2-congenital disorder of glycosylation. Last evaluated: 2017-02-12. Review status: criteria provided, single submitter. Criteria: ACGS Guidelines, 2013. Collection method: clinical testing. Allele origin: germline. Affected: yes. Study: VKGL Data-share Consensus.

Center for Pediatric Genomic Medicine, Children's Mercy Hospital and Clinics
Classification: Pathogenic. Last evaluated: 2017-02-06. Review status: criteria provided, single submitter. Criteria: ACMG Guidelines, 2015. Collection method: clinical testing. Allele origin: germline.

Eurofins Ntd Llc (ga)
Classification: Pathogenic. Last evaluated: 2015-11-11. Review status: criteria provided, single submitter. Criteria: EGL Classification Definitions. Collection method: clinical testing. Allele origin: germline. Observed: 46 variant alleles, 46 heterozygotes.

Courtagen Diagnostics Laboratory, Courtagen Life Sciences
Classification: Pathogenic for Congenital disorder of glycosylation, type Ia. Last evaluated: 2015-02-18. Review status: criteria provided, single submitter. Criteria: Courtagen Life Sciences Classifications. Collection method: clinical testing. Allele origin: germline.

Genome Diagnostics Laboratory, University Medical Center Utrecht
Classification: Pathogenic for PMM2-congenital disorder of glycosylation. Last evaluated: 2014-10-08. Review status: criteria provided, single submitter. Criteria: ACGS Guidelines, 2013. Collection method: clinical testing. Allele origin: germline. Affected: yes. Study: VKGL Data-share Consensus.

CENTOGENE GmbH and LLC - Guiding Precision Medicine
Classification: Pathogenic for PMM2-congenital disorder of glycosylation. Review status: criteria provided, single submitter. Criteria: ACMG Guidelines, 2015. Collection method: clinical testing. Allele origin: germline. Affected: yes.

Kariminejad - Najmabadi Pathology & Genetics Center
Classification: Pathogenic for PMM2-congenital disorder of glycosylation. Review status: criteria provided, single submitter. Criteria: ACMG Guidelines, 2015. Collection method: clinical testing. Allele origin: germline. Affected: no.

Pediatric Metabolic Diseases, Hacettepe University
Classification: Pathogenic for PMM2-congenital disorder of glycosylation. Review status: criteria provided, single submitter. Criteria: International clinical guidelines for PMM2-CDG, 2019. Collection method: clinical testing. Allele origin: germline. Affected: yes.

UNC Molecular Genetics  Laboratory, University of North Carolina at Chapel Hill
Classification: Pathogenic for Congenital disorder of glycosylation, type Ia. Review status: criteria provided, single submitter. Criteria: ACMG Guidelines, 2015. Collection method: research. Allele origin: germline. Affected: no. Observed: 1 variant allele. Study: NSIGHT-NC NEXUS.
Comment: The PMM2 c.422G>A (p.R141H) pathogenic variant has previously been reported in the compound heterozygous state in congenital disorder of glycosylation type Ia, also called PMM2-congenital disorder of glycosylation (PMM2-CDG) (PMID: 9140401; 9497260; 9781039; 11058895; 11134235; 11517108).

carrier finding

Genetic Services Laboratory, University of Chicago
Classification: Pathogenic for PMM2-congenital disorder of glycosylation. Last evaluated: 2021-06-21. Review status: no assertion criteria provided. Collection method: clinical testing. Allele origin: germline. Affected: yes. Not counted in ClinVar's aggregate classification.
Comment: DNA sequence analysis of the PMM2 gene demonstrated a sequence change, c.422G>A, in exon 5 that results in an amino acid change, p.Arg141His. The p.Arg141His sequence change has been observed in 0.4% of individuals in the gnomAD database, in the heterozygous state, and is regarded as the most common pathogenic variant found in patients with PMM2-related congenital disorders of glycosylation (PMID: 20301289). The p.Arg141His change affects a highly conserved amino acid residue located in a domain of the PMM2 protein that is known to be functional. The p.Arg141His substitution appears to be deleterious using several in-silico pathogenicity prediction tools (SIFT PolyPhen2, Align GVGD, REVEL). This pathogenic sequence change has previously been described in an estimated 40% of individuals with PMM2-related congenital disorders of glycosylation (CDG), in the compound heterozygous state with a second variant (PMID: 20301289, 21541725). Functional studies have also demonstrated that the p.Arg141His change reduces protein stability and enzymatic activity in vitro (PMID: 26014514)